The following is an entry in ClinVar:

ClinVar aggregate classification (germline): Likely pathogenic. Review status: criteria provided, multiple submitters, no conflicts (2 of 4 stars). 2 submissions from 2 submitters: Likely pathogenic (2). Last evaluated 2025-09-05.

Conditions:
Niemann-Pick disease, type A. Also called: Infantile Neurovisceral ASMD (Niemann-Pick Disease Type A; NPD-A); SPHINGOMYELIN LIPIDOSIS; SPHINGOMYELINASE DEFICIENCY. Identifiers: Orphanet 77292, MedGen C0268242, MONDO:0009756, OMIM 257200. Disease mechanism: loss of function.
Sphingomyelin/cholesterol lipidosis. Also called: Niemann-Pick disease. Identifiers: MedGen C0028064, MONDO:0001982.

Submissions (2):

Natera, Inc.
Classification: Likely pathogenic for Niemann-Pick Disease, Types A/B. Last evaluated: 2025-09-05. Review status: criteria provided, single submitter. Criteria: Natera Variant Classification Schema (03/2026). Collection method: clinical testing. Allele origin: germline.
Comment: The c.738G>C variant in SMPD1 is a missense variant predicted to cause substitution of tryptophan to cysteine at amino acid 246. This variant is rare in the general population with a frequency below the threshold expected for the associated phenotype(s). This variant has been observed in one or more individuals affected with the associated recessive disease, as either homozygous or compound heterozygous with a second variant (PMID: 15241805). Additionally, this variant has been observed to segregate in affected family members (PMID: 15241805). Functional studies show that this variant may disrupt protein function (PMID: 16010684). Computational prediction algorithms indicate this variant is likely to affect gene or protein function. Given the available evidence, this variant is classified as Likely Pathogenic.

Women's Health and Genetics/Laboratory Corporation of America, LabCorp
Classification: Likely pathogenic for Sphingomyelin/cholesterol lipidosis. Last evaluated: 2025-02-26. Review status: criteria provided, single submitter. Criteria: LabCorp Variant Classification Summary - May 2015. Collection method: clinical testing. Allele origin: germline.
Comment: Variant summary: SMPD1 c.738G>C (p.Trp246Cys) results in a non-conservative amino acid change located in the acid sphingomyelinase/endopolyphosphatase, metallophosphatase domain (IPR041805) of the encoded protein sequence. Four of four in-silico tools predict a damaging effect of the variant on protein function. The variant was absent in 248600 control chromosomes (gnomAD). c.738G>C has been reported in the literature in two siblings affected with Niemann-Pick Disease (Pittis_2004). These data indicate that the variant may be associated with disease. In functional studies, the variant resulted in reduced enzymatic activity (Dardis_2005). The following publications have been ascertained in the context of this evaluation (PMID: 15241805, 16010684). No submitters have cited clinical-significance assessments for this variant to ClinVar. Based on the evidence outlined above, the variant was classified as likely pathogenic.

Literature cited by the submitters: PubMed 15241805 (cited by Natera, Inc. and Women's Health and Genetics/Laboratory Corporation of America, LabCorp); PubMed 16010684 (cited by Natera, Inc. and Women's Health and Genetics/Laboratory Corporation of America, LabCorp).

NM_000543.5(SMPD1):c.738G>C (p.Trp246Cys)

Gene: SMPD1 (sphingomyelin phosphodiesterase 1; plus strand). Cytogenetic location: 11p15.4.
Variant type: single nucleotide variant.
Coding change: c.738G>C on transcript NM_000543.5 (MANE Select); coding-DNA position 738, G replaced by C.
Protein change: p.Trp246Cys; replaces tryptophan 246 with cysteine.
Molecular consequence: missense variant. On other transcripts: 5 prime UTR variant (1), non-coding transcript variant (1).
Genome position (GRCh38, 1-based): chr11:6,391,803, G>C. VCF-style: chr11-6391803-G-C. GRCh37 (hg19) VCF-style: chr11-6413033-G-C.
Other names: c.738G>C (NM_000543.4); c.735G>C, p.Trp245Cys (NM_001007593.3); c.738G>C, p.Trp246Cys (NM_001318087.2, NM_001365135.2); c.-224G>C (NM_001318088.2); short protein forms W245C, W246C.
Identifiers: ClinVar variation 3768650 (VCV003768650.2).